The following is an entry in ClinVar:

ClinVar aggregate classification (germline): Uncertain significance (1 of 4 stars; one submission).

Conditions:
Charcot-Marie-Tooth disease axonal type 2O. Also called: CHARCOT-MARIE-TOOTH NEUROPATHY, AXONAL, TYPE 2O; CHARCOT-MARIE-TOOTH DISEASE, AXONAL, AUTOSOMAL DOMINANT, TYPE 2O; Charcot-Marie-Tooth disease, axonal, type 20; Charcot-Marie-Tooth Neuropathy Type 2O. Identifiers: Orphanet 284232, MedGen C3280220, MONDO:0013644, OMIM 614228.

Submission:

Labcorp Genetics (formerly Invitae), Labcorp
Classification: Uncertain significance for Charcot-Marie-Tooth disease axonal type 2O. Last evaluated: 2025-03-03. Review status: criteria provided, single submitter. Criteria: Invitae Variant Classification Sherloc (09022015). Collection method: clinical testing. Allele origin: germline.
Comment: This sequence change replaces serine, which is neutral and polar, with tyrosine, which is neutral and polar, at codon 863 of the DYNC1H1 protein (p.Ser863Tyr). This variant is not present in population databases (gnomAD no frequency). This variant has not been reported in the literature in individuals affected with DYNC1H1-related conditions. ClinVar contains an entry for this variant (Variation ID: 1044561). Invitae Evidence Modeling of protein sequence and biophysical properties (such as structural, functional, and spatial information, amino acid conservation, physicochemical variation, residue mobility, and thermodynamic stability) has been performed for this missense variant. However, the output from this modeling did not meet the statistical confidence thresholds required to predict the impact of this variant on DYNC1H1 protein function. In summary, the available evidence is currently insufficient to determine the role of this variant in disease. Therefore, it has been classified as a Variant of Uncertain Significance.

NM_001376.5(DYNC1H1):c.2588C>A (p.Ser863Tyr)

Gene: DYNC1H1 (dynein cytoplasmic 1 heavy chain 1; plus strand). Cytogenetic location: 14q32.31.
Variant type: single nucleotide variant.
Coding change: c.2588C>A on transcript NM_001376.5 (MANE Select); coding-DNA position 2588, C replaced by A.
Protein change: p.Ser863Tyr; replaces serine 863 with tyrosine.
Molecular consequence: missense variant.
Genome position (GRCh38, 1-based): chr14:101,987,502, C>A. VCF-style: chr14-101987502-C-A. GRCh37 (hg19) VCF-style: chr14-102453839-C-A.
Other names: short protein forms S863Y.
Identifiers: ClinVar variation 1044561 (VCV001044561.8), dbSNP rs2047950008, ClinGen allele CA391026978.